The following is an entry in ClinVar:

NM_004994.3(MMP9):c.1336C>G (p.Arg446Gly)

Gene: MMP9 (matrix metallopeptidase 9; plus strand). Cytogenetic location: 20q13.12.
Variant type: single nucleotide variant.
Coding change: c.1336C>G on transcript NM_004994.3 (MANE Select); coding-DNA position 1336, C replaced by G.
Protein change: p.Arg446Gly; replaces arginine 446 with glycine.
Molecular consequence: missense variant.
Genome position (GRCh38, 1-based): chr20:46,013,260, C>G. VCF-style: chr20-46013260-C-G. GRCh37 (hg19) VCF-style: chr20-44641899-C-G.
Other names: c.1336C>G (NM_004994.2); short protein forms R446G.
Identifiers: ClinVar variation 2056664 (VCV002056664.6), dbSNP rs754160543, ClinGen allele CA9886717.

ClinVar aggregate classification (germline): Uncertain significance. Review status: criteria provided, multiple submitters, no conflicts (2 of 4 stars). 2 submissions from 2 submitters: Uncertain significance (2). Last evaluated 2025-08-31.

Allele frequency attached by ClinVar (database versions not stated): ExAC 0.00006.

Submissions (2):

Labcorp Genetics (formerly Invitae), Labcorp
Classification: Uncertain significance. Last evaluated: 2025-08-31. Review status: criteria provided, single submitter. Criteria: Invitae Variant Classification Sherloc (09022015). Collection method: clinical testing. Allele origin: germline.
Comment: This sequence change replaces arginine, which is basic and polar, with glycine, which is neutral and non-polar, at codon 446 of the MMP9 protein (p.Arg446Gly). This variant is present in population databases (rs754160543, gnomAD 0.05%). This variant has not been reported in the literature in individuals affected with MMP9-related conditions. ClinVar contains an entry for this variant (Variation ID: 2056664). Invitae Evidence Modeling of protein sequence and biophysical properties (such as structural, functional, and spatial information, amino acid conservation, physicochemical variation, residue mobility, and thermodynamic stability) indicates that this missense variant is not expected to disrupt MMP9 protein function with a negative predictive value of 80%. In summary, the available evidence is currently insufficient to determine the role of this variant in disease. Therefore, it has been classified as a Variant of Uncertain Significance.

Ambry Genetics
Classification: Uncertain significance. Last evaluated: 2024-11-13. Review status: criteria provided, single submitter. Criteria: Ambry Variant Classification Scheme 2023. Collection method: clinical testing. Allele origin: germline.